The following is an entry in ClinVar:

NM_139343.3(BIN1):c.1372-90C>T

Gene: BIN1 (bridging integrator 1; minus strand). Cytogenetic location: 2q14.3.
Variant type: single nucleotide variant.
Coding change: c.1372-90C>T on transcript NM_139343.3 (MANE Select); 90 bases into the intron before coding-DNA position 1372, C replaced by T.
Molecular consequence: intron variant.
Genome position (GRCh38, 1-based): chr2:127,051,333, G>A on the plus strand (C>T on the coding strand, the complement: BIN1 is on the minus strand). VCF-style: chr2-127051333-G-A. GRCh37 (hg19) VCF-style: chr2-127808909-G-A.
Other names: c.1291-90C>T (NM_001320642.1); c.838-421C>T (NM_001320634.1); c.910-421C>T (NM_139351.3); c.910-90C>T (NM_139350.3); c.1018-90C>T (NM_139349.3); c.1039-90C>T (NM_139348.3); c.1147-90C>T (NM_139347.3); c.1279-90C>T (NM_001320641.2); and 7 more.
Identifiers: ClinVar variation 678267 (VCV000678267.5), dbSNP rs6745677, ClinGen allele CA11082038.

ClinVar aggregate classification (germline): Benign. Review status: criteria provided, multiple submitters, no conflicts (2 of 4 stars). 3 submissions from 3 submitters: Benign (3). Last evaluated 2021-07-14.

Conditions:
Myopathy, centronuclear, 2 (CNM2). Also called: MYOTUBULAR MYOPATHY, AUTOSOMAL RECESSIVE. Identifiers: Orphanet 169186, MedGen CN031787, MONDO:0009709, OMIM 255200.

Allele frequency attached by ClinVar (database versions not stated): TOPMed 0.39211; 1000 Genomes Project 0.43351; 1000 Genomes Project 30x 0.43535; gnomAD 0.38066 and 0.38377.
gnomAD v4.1: 503,148 of 1,357,608 alleles (37%); highest among the groups gnomAD compares: South Asian, 50%; 94,917 homozygotes.

Submissions (3):

Genome-Nilou Lab
Classification: Benign for Myopathy, centronuclear, 2. Last evaluated: 2021-07-14. Review status: criteria provided, single submitter. Criteria: ACMG Guidelines, 2015. Collection method: clinical testing. Allele origin: germline. Affected: no.

GeneDx
Classification: Benign. Last evaluated: 2018-06-14. Review status: criteria provided, single submitter. Criteria: GeneDx Variant Classification (06012015). Collection method: clinical testing. Allele origin: germline. Affected: yes.
Comment: This variant is considered likely benign or benign based on one or more of the following criteria: it is a conservative change, it occurs at a poorly conserved position in the protein, it is predicted to be benign by multiple in silico algorithms, and/or has population frequency not consistent with disease.

Breakthrough Genomics
Classification: Benign. Review status: criteria provided, single submitter. Criteria: ACMG Guidelines, 2015. Collection method: not provided. Allele origin: germline. Inheritance: Autosomal recessive inheritance. Affected: yes.